The following is an entry in ClinVar:

ClinVar aggregate classification (germline): Likely benign (0 of 4 stars; one submission).

Conditions:
NIPA1-related disorder. Also called: NIPA1-related condition.

Allele frequency attached by ClinVar (database versions not stated): TOPMed 0.00001; ExAC 0.00002.
gnomAD v4.1: 14 of 1,611,686 alleles (0.00087%); highest among the groups gnomAD compares: Middle Eastern, 0.12%; no homozygotes.

Submission:

PreventionGenetics, part of Exact Sciences
Classification: Likely benign for NIPA1-related condition. Last evaluated: 2019-07-01. Review status: no assertion criteria provided. Collection method: clinical testing. Allele origin: germline.
Comment: This variant is classified as likely benign based on ACMG/AMP sequence variant interpretation guidelines (Richards et al. 2015 PMID: 25741868, with internal and published modifications).

NM_144599.5(NIPA1):c.*4G>A

Gene: NIPA1 (NIPA magnesium transporter 1; plus strand). Cytogenetic location: 15q11.2.
Variant type: single nucleotide variant.
Coding change: c.*4G>A on transcript NM_144599.5 (MANE Select); 4 bases downstream of the stop codon, G replaced by A.
Molecular consequence: 3 prime UTR variant.
Genome position (GRCh38, 1-based): chr15:22,824,243, G>A. VCF-style: chr15-22824243-G-A. GRCh37 (hg19) VCF-style: chr15-23048825-C-T.
Other names: c.*4G>A (NM_001142275.1).
Identifiers: ClinVar variation 3043251 (VCV003043251.2), dbSNP rs748800105, ClinGen allele CA7425963.